The following is an entry in ClinVar:

NM_004385.5(VCAN):c.1508A>G (p.Glu503Gly)

Gene: VCAN (versican; plus strand). Cytogenetic location: 5q14.3.
Variant type: single nucleotide variant.
Coding change: c.1508A>G on transcript NM_004385.5 (MANE Select); coding-DNA position 1508, A replaced by G.
Protein change: p.Glu503Gly; replaces glutamic acid 503 with glycine.
Molecular consequence: missense variant. On other transcripts: intron variant (2).
Genome position (GRCh38, 1-based): chr5:83,519,814, A>G. VCF-style: chr5-83519814-A-G. GRCh37 (hg19) VCF-style: chr5-82815633-A-G.
Other names: c.1508A>G, p.Glu503Gly (NM_001164098.2); c.1042+7418A>G (NM_001164097.2, NM_001126336.3); short protein forms E503G.
Identifiers: ClinVar variation 2040820 (VCV002040820.4), dbSNP rs151162916, ClinGen allele CA360300597.

ClinVar aggregate classification (germline): Uncertain significance (1 of 4 stars; one submission).

Submission:

Labcorp Genetics (formerly Invitae), Labcorp
Classification: Uncertain significance. Last evaluated: 2025-05-12. Review status: criteria provided, single submitter. Criteria: Invitae Variant Classification Sherloc (09022015). Collection method: clinical testing. Allele origin: germline.
Comment: This sequence change replaces glutamic acid, which is acidic and polar, with glycine, which is neutral and non-polar, at codon 503 of the VCAN protein (p.Glu503Gly). This variant is not present in population databases (gnomAD no frequency). This variant has not been reported in the literature in individuals affected with VCAN-related conditions. ClinVar contains an entry for this variant (Variation ID: 2040820). An algorithm developed to predict the effect of missense changes on protein structure and function outputs the following: PolyPhen-2: "Benign". The glycine amino acid residue is found in multiple mammalian species, which suggests that this missense change does not adversely affect protein function. In summary, the available evidence is currently insufficient to determine the role of this variant in disease. Therefore, it has been classified as a Variant of Uncertain Significance.